The following is an entry in ClinVar:

ClinVar aggregate classification (germline): Uncertain significance (1 of 4 stars; one submission).

Submission:

Ambry Genetics
Classification: Uncertain significance. Last evaluated: 2025-03-24. Review status: criteria provided, single submitter. Criteria: Ambry Variant Classification Scheme 2023. Collection method: clinical testing. Allele origin: germline.
Comment: The p.P563A variant (also known as c.1687C>G), located in coding exon 18 of the SRP72 gene, results from a C to G substitution at nucleotide position 1687. The proline at codon 563 is replaced by alanine, an amino acid with highly similar properties. This amino acid position is conserved. In addition, this alteration is predicted to be deleterious by in silico analysis. Based on the available evidence, the clinical significance of this variant remains unclear.

NM_006947.4(SRP72):c.1687C>G (p.Pro563Ala)

Gene: SRP72 (signal recognition particle 72; plus strand). Cytogenetic location: 4q12.
Variant type: single nucleotide variant.
Coding change: c.1687C>G on transcript NM_006947.4 (MANE Select); coding-DNA position 1687, C replaced by G.
Protein change: p.Pro563Ala; replaces proline 563 with alanine.
Molecular consequence: missense variant. On other transcripts: non-coding transcript variant (1).
Genome position (GRCh38, 1-based): chr4:56,500,544, C>G. VCF-style: chr4-56500544-C-G. GRCh37 (hg19) VCF-style: chr4-57366710-C-G.
Other names: c.1504C>G, p.Pro502Ala (NM_001267722.2); short protein forms P502A, P563A.
Identifiers: ClinVar variation 3962038 (VCV003962038.1).